The following is an entry in ClinVar:

ClinVar aggregate classification (germline): Uncertain significance (1 of 4 stars; one submission).

Submission:

GeneDx
Classification: Uncertain significance. Last evaluated: 2019-05-20. Review status: criteria provided, single submitter. Criteria: GeneDx Variant Classification Process June 2021. Collection method: clinical testing. Allele origin: germline. Affected: yes.
Comment: Not observed in large population cohorts (Lek et al., 2016); In silico analysis, which includes protein predictors and evolutionary conservation, supports that this variant does not alter protein structure/function; Has not been previously published as pathogenic or benign to our knowledge

NM_173495.3(PTCHD1):c.1186A>C (p.Ile396Leu)

Gene: PTCHD1 (patched domain containing 1; plus strand). Cytogenetic location: Xp22.11.
Variant type: single nucleotide variant.
Coding change: c.1186A>C on transcript NM_173495.3 (MANE Select); coding-DNA position 1186, A replaced by C.
Protein change: p.Ile396Leu; replaces isoleucine 396 with leucine.
Molecular consequence: missense variant.
Genome position (GRCh38, 1-based): chrX:23,392,704, A>C. VCF-style: chrX-23392704-A-C. GRCh37 (hg19) VCF-style: chrX-23410821-A-C.
Other names: short protein forms I396L.
Identifiers: ClinVar variation 1306053 (VCV001306053.2), dbSNP rs2146651912, ClinGen allele CA412583012.